The following is an entry in ClinVar:

ClinVar aggregate classification (germline): Benign/Likely benign. Review status: criteria provided, multiple submitters, no conflicts (2 of 4 stars). 2 submissions from 2 submitters: Benign (1); Likely benign (1). Last evaluated 2025-03-24.

Conditions:
Tuberous sclerosis 2 (TSC2). Identifiers: Orphanet 805, MedGen C1860707, MONDO:0013199, OMIM 613254.

gnomAD v4.1: 4 of 1,612,982 alleles (0.00025%); highest among the groups gnomAD compares: East Asian, 0.0045%; no homozygotes.

Submissions (2):

Labcorp Genetics (formerly Invitae), Labcorp
Classification: Likely benign for Tuberous sclerosis 2. Last evaluated: 2025-03-24. Review status: criteria provided, single submitter. Criteria: Invitae Variant Classification Sherloc (09022015). Collection method: clinical testing. Allele origin: germline.

Myriad Genetics, Inc.
Classification: Benign for Tuberous sclerosis 2. Last evaluated: 2024-09-09. Review status: criteria provided, single submitter. Criteria: Myriad Autosomal Dominant, Autosomal Recessive and X-Linked Classification Criteria (2023). Collection method: clinical testing. Allele origin: unknown.
Comment: This variant is considered benign. This variant is intronic and is not expected to impact mRNA splicing. This variant has been observed at a population frequency that is significantly greater than expected given the associated disease prevalence and penetrance.

NM_000548.5(TSC2):c.3132-15C>T

Gene: TSC2 (TSC complex subunit 2; plus strand). Cytogenetic location: 16p13.3.
Variant type: single nucleotide variant.
Coding change: c.3132-15C>T on transcript NM_000548.5 (MANE Select); 15 bases into the intron before coding-DNA position 3132, C replaced by T.
Molecular consequence: intron variant.
Genome position (GRCh38, 1-based): chr16:2,079,261, C>T. VCF-style: chr16-2079261-C-T. GRCh37 (hg19) VCF-style: chr16-2129262-C-T.
Other names: c.3132-15C>T (NM_001114382.3); c.3003-15C>T (NM_021055.3, NM_001370405.1, NM_001363528.2); c.3000-15C>T (NM_001370404.1, NM_001077183.3); c.2892-15C>T (NM_001318827.2); c.2400-15C>T (NM_001318831.2); c.2856-15C>T (NM_001318829.2); c.3033-15C>T (NM_001318832.2).
Identifiers: ClinVar variation 2081992 (VCV002081992.5), dbSNP rs769659537, ClinGen allele CA044451.